The following is an entry in ClinVar:

ClinVar aggregate classification (germline): Likely benign (0 of 4 stars; one submission).

Conditions:
SREBF2-related disorder. Also called: SREBF2-related condiiton.

Allele frequency attached by ClinVar (database versions not stated): gnomAD exomes below 0.00001.
gnomAD v4.1: 2 of 1,613,930 alleles (0.00012%); highest among the groups gnomAD compares: Non-Finnish European, 0.000085%; no homozygotes.

Submission:

PreventionGenetics, part of Exact Sciences
Classification: Likely benign for SREBF2-related condition. Last evaluated: 2022-11-20. Review status: no assertion criteria provided. Collection method: clinical testing. Allele origin: germline.
Comment: This variant is classified as likely benign based on ACMG/AMP sequence variant interpretation guidelines (Richards et al. 2015 PMID: 25741868, with internal and published modifications).

NM_004599.4(SREBF2):c.2606-7C>T

Gene: SREBF2 (sterol regulatory element binding transcription factor 2; plus strand). Cytogenetic location: 22q13.2.
Variant type: single nucleotide variant.
Coding change: c.2606-7C>T on transcript NM_004599.4 (MANE Select); 7 bases into the intron before coding-DNA position 2606, C replaced by T.
Molecular consequence: intron variant.
Genome position (GRCh38, 1-based): chr22:41,898,642, C>T. VCF-style: chr22-41898642-C-T. GRCh37 (hg19) VCF-style: chr22-42294646-C-T.
Identifiers: ClinVar variation 3046094 (VCV003046094.2), dbSNP rs2518752901, ClinGen allele CA2577735229.